The following is an entry in ClinVar:

ClinVar aggregate classification (germline): Likely benign. Review status: criteria provided, multiple submitters, no conflicts (2 of 4 stars). 3 submissions from 3 submitters: Likely benign (3). Last evaluated 2025-12-28.

Conditions:
RAB3GAP2-related disorder. Also called: RAB3GAP2-related condition; RAB3GAP2-related disorders.
Martsolf syndrome (MARTS). Also called: Congenital cataract with intellectual disability and hypogonadotropic hypogonadism syndrome. Identifiers: Orphanet 1387, MedGen C0796037, MONDO:0023910.
Warburg micro syndrome 2 (WARBM2). Also called: MICRO SYNDROME 2. Identifiers: Orphanet 2510, MedGen C3280214, MONDO:0013641, OMIM 614225.

Allele frequency attached by ClinVar (database versions not stated): ExAC 0.00008; ESP Exome Variant Server 0.00008; gnomAD exomes 0.00012 and 0.00045; TOPMed 0.00016; gnomAD 0.00019 and 0.00021.
gnomAD v4.1: 672 of 1,614,018 alleles (0.042%); highest among the groups gnomAD compares: Non-Finnish European, 0.055%; 1 homozygote.

Submissions (3):

Labcorp Genetics (formerly Invitae), Labcorp
Classification: Likely benign for Martsolf syndrome; Warburg micro syndrome 2. Last evaluated: 2025-12-28. Review status: criteria provided, single submitter. Criteria: Invitae Variant Classification Sherloc (09022015). Collection method: clinical testing. Allele origin: germline.

PreventionGenetics, part of Exact Sciences
Classification: Likely benign for RAB3GAP2-related condition. Last evaluated: 2025-07-09. Review status: criteria provided, single submitter. Criteria: ACMG Guidelines, 2015. Collection method: clinical testing. Allele origin: germline.
Comment: This variant is classified as likely benign based on ACMG/AMP sequence variant interpretation guidelines (Richards et al. 2015 PMID: 25741868, with internal and published modifications).

GeneDx
Classification: Likely benign. Last evaluated: 2018-02-20. Review status: criteria provided, single submitter. Criteria: GeneDx Variant Classification (06012015). Collection method: clinical testing. Allele origin: germline. Affected: yes.
Comment: This variant is considered likely benign or benign based on one or more of the following criteria: it is a conservative change, it occurs at a poorly conserved position in the protein, it is predicted to be benign by multiple in silico algorithms, and/or has population frequency not consistent with disease.

NM_012414.4(RAB3GAP2):c.2667T>G (p.Leu889=)

Gene: RAB3GAP2 (RAB3 GTPase activating non-catalytic protein subunit 2; minus strand). Cytogenetic location: 1q41.
Variant type: single nucleotide variant.
Coding change: c.2667T>G on transcript NM_012414.4 (MANE Select); coding-DNA position 2667, T replaced by G.
Protein change: p.Leu889=; no amino-acid change (leucine 889 retained).
Molecular consequence: synonymous variant.
Genome position (GRCh38, 1-based): chr1:220,171,031, A>C on the plus strand (T>G on the coding strand, the complement: RAB3GAP2 is on the minus strand). VCF-style: chr1-220171031-A-C. GRCh37 (hg19) VCF-style: chr1-220344373-A-C.
Identifiers: ClinVar variation 515550 (VCV000515550.10), dbSNP rs145550355, ClinGen allele CA1402371.
Genomic context (GRCh38, chr1:220,171,031, plus strand): 5'-AGTGTTCCCTTTGCTGTGAAGCAGAGTCTGAAGTATGAGACAATCCTCCAGCTGTTTCAG[A>C]AGGAGTTTCCAGTACTCAGTGTCAAGAGAAAGTGCCTCCCAGGAATCAGTGAGGGCCTCT-3'
Protein context (NP_036546.2, residues 879-899): LSLDTEYWKL[Leu889=]LKQLEDCLIL